The following is an entry in ClinVar:

ClinVar aggregate classification (germline): Conflicting classifications of pathogenicity. Review status: criteria provided, conflicting classifications (1 of 4 stars). 5 submissions from 5 submitters: Uncertain significance (1); Likely benign (3). 1 of the submissions does not count toward it. Last evaluated 2025-12-15.

Conditions:
Osteogenesis imperfecta type I (OI1). Also called: OSTEOGENESIS IMPERFECTA WITH BLUE SCLERAE; Osteogenesis imperfecta type 1; Lobstein's Disease; OI, TYPE I; OSTEOGENESIS IMPERFECTA TARDA; Classic Non-deforming Osteogenesis Imperfecta with Blue Sclerae. Identifiers: Orphanet 216796, Orphanet 666, MedGen C0023931, MONDO:0008146, OMIM 166200. Disease mechanism: loss of function.
COL1A1-related disorder. Also called: COL1A1- related disease; COL1A1-related condition.

Allele frequency attached by ClinVar (database versions not stated): TOPMed below 0.00001; gnomAD 0.00001; gnomAD exomes 0.00001.

Submissions (5):

Labcorp Genetics (formerly Invitae), Labcorp
Classification: Likely benign for Osteogenesis imperfecta type I. Last evaluated: 2025-12-15. Review status: criteria provided, single submitter. Criteria: Invitae Variant Classification Sherloc (09022015). Collection method: clinical testing. Allele origin: germline.

Women's Health and Genetics/Laboratory Corporation of America, LabCorp
Classification: Likely benign. Last evaluated: 2025-04-30. Review status: criteria provided, single submitter. Criteria: LabCorp Variant Classification Summary - May 2015. Collection method: clinical testing. Allele origin: germline.

Blueprint Genetics
Classification: Likely benign. Last evaluated: 2023-08-08. Review status: criteria provided, single submitter. Criteria: ACMG Guidelines, 2015. Collection method: clinical testing. Allele origin: germline.

Eurofins Ntd Llc (ga)
Classification: Uncertain significance. Last evaluated: 2016-11-08. Review status: criteria provided, single submitter. Criteria: EGL Classification Definitions 2015. Collection method: clinical testing. Allele origin: germline. Observed: 1 variant allele, 1 heterozygote.

PreventionGenetics, part of Exact Sciences
Classification: Likely benign for COL1A1-related condition. Last evaluated: 2019-07-01. Review status: no assertion criteria provided. Collection method: clinical testing. Allele origin: germline. Not counted in ClinVar's aggregate classification.
Comment: This variant is classified as likely benign based on ACMG/AMP sequence variant interpretation guidelines (Richards et al. 2015 PMID: 25741868, with internal and published modifications).

NM_000088.4(COL1A1):c.3207+8G>T

Gene: COL1A1 (collagen type I alpha 1 chain; minus strand). Cytogenetic location: 17q21.33.
Variant type: single nucleotide variant.
Coding change: c.3207+8G>T on transcript NM_000088.4 (MANE Select); 8 bases into the intron after coding-DNA position 3207, G replaced by T.
Molecular consequence: intron variant.
Genome position (GRCh38, 1-based): chr17:50,188,522, C>A on the plus strand (G>T on the coding strand, the complement: COL1A1 is on the minus strand). VCF-style: chr17-50188522-C-A. GRCh37 (hg19) VCF-style: chr17-48265883-C-A.
Other names: c.3207+8G>T (NM_000088.3).
Identifiers: ClinVar variation 497922 (VCV000497922.14), dbSNP rs866785621, ClinGen allele CA291543054.